The following is an entry in ClinVar:

ClinVar aggregate classification (germline): Uncertain significance (1 of 4 stars; one submission).

Conditions:
Nemaline myopathy 10 (NEM10). Identifiers: MedGen C4015360, MONDO:0014513, OMIM 616165.

Allele frequency attached by ClinVar (database versions not stated): gnomAD exomes below 0.00001 and 0.00001; TOPMed 0.00001; ExAC 0.00002.
gnomAD v4.1: 7 of 1,611,530 alleles (0.00043%); highest among the groups gnomAD compares: Non-Finnish European, 0.00051%; no homozygotes.

Submission:

Labcorp Genetics (formerly Invitae), Labcorp
Classification: Uncertain significance for Nemaline myopathy 10. Last evaluated: 2022-07-25. Review status: criteria provided, single submitter. Criteria: Invitae Variant Classification Sherloc (09022015). Collection method: clinical testing. Allele origin: germline.
Comment: This sequence change replaces proline, which is neutral and non-polar, with alanine, which is neutral and non-polar, at codon 520 of the LMOD3 protein (p.Pro520Ala). This variant is present in population databases (rs764451589, gnomAD 0.002%). This variant has not been reported in the literature in individuals affected with LMOD3-related conditions. ClinVar contains an entry for this variant (Variation ID: 942119). Algorithms developed to predict the effect of missense changes on protein structure and function (SIFT, PolyPhen-2, Align-GVGD) all suggest that this variant is likely to be disruptive. In summary, the available evidence is currently insufficient to determine the role of this variant in disease. Therefore, it has been classified as a Variant of Uncertain Significance.

NM_198271.5(LMOD3):c.1558C>G (p.Pro520Ala)

Gene: LMOD3 (leiomodin 3; minus strand). Cytogenetic location: 3p14.1.
Variant type: single nucleotide variant.
Coding change: c.1558C>G on transcript NM_198271.5 (MANE Select); coding-DNA position 1558, C replaced by G.
Protein change: p.Pro520Ala; replaces proline 520 with alanine.
Molecular consequence: missense variant.
Genome position (GRCh38, 1-based): chr3:69,118,797, G>C on the plus strand (C>G on the coding strand, the complement: LMOD3 is on the minus strand). VCF-style: chr3-69118797-G-C. GRCh37 (hg19) VCF-style: chr3-69167948-G-C.
Other names: c.1558C>G, p.Pro520Ala (NM_001304418.3); short protein forms P520A.
Identifiers: ClinVar variation 942119 (VCV000942119.3), dbSNP rs764451589, ClinGen allele CA2488739.